The following is an entry in ClinVar:

NM_024741.3(ZNF408):c.704C>G (p.Pro235Arg)

Gene: ZNF408 (zinc finger protein 408; plus strand). Cytogenetic location: 11p11.2.
Variant type: single nucleotide variant.
Coding change: c.704C>G on transcript NM_024741.3 (MANE Select); coding-DNA position 704, C replaced by G.
Protein change: p.Pro235Arg; replaces proline 235 with arginine.
Molecular consequence: missense variant.
Genome position (GRCh38, 1-based): chr11:46,704,404, C>G. VCF-style: chr11-46704404-C-G. GRCh37 (hg19) VCF-style: chr11-46725954-C-G.
Other names: c.680C>G, p.Pro227Arg (NM_001184751.2); short protein forms P227R, P235R.
Identifiers: ClinVar variation 1955211 (VCV001955211.7), dbSNP rs764632543, ClinGen allele CA5966414.

ClinVar aggregate classification (germline): Conflicting classifications of pathogenicity. Review status: criteria provided, conflicting classifications (1 of 4 stars). 3 submissions from 3 submitters: Uncertain significance (2); Likely benign (1). Last evaluated 2023-10-01.

Conditions:
Inborn genetic diseases. Identifiers: MedGen C0950123, MeSH D030342.
Retinal dystrophy. Also called: Inherited retinal dystrophy. Identifiers: Orphanet 71862, MedGen C0854723, MeSH D058499, MONDO:0019118, HP:0000556.

Allele frequency attached by ClinVar (database versions not stated): TOPMed below 0.00001; ExAC 0.00001; gnomAD 0.00001; gnomAD exomes 0.00005.

Submissions (3):

Dept Of Ophthalmology, Nagoya University
Classification: Likely benign for Retinal dystrophy. Last evaluated: 2023-10-01. Review status: criteria provided, single submitter. Criteria: Submitter's publication. Collection method: research. Allele origin: germline. Affected: yes.

Labcorp Genetics (formerly Invitae), Labcorp
Classification: Uncertain significance. Last evaluated: 2022-05-25. Review status: criteria provided, single submitter. Criteria: Invitae Variant Classification Sherloc (09022015). Collection method: clinical testing. Allele origin: germline.
Comment: This variant is present in population databases (rs764632543, gnomAD no frequency). In summary, the available evidence is currently insufficient to determine the role of this variant in disease. Therefore, it has been classified as a Variant of Uncertain Significance. Algorithms developed to predict the effect of missense changes on protein structure and function are either unavailable or do not agree on the potential impact of this missense change (SIFT: "Deleterious"; PolyPhen-2: "Possibly Damaging"; Align-GVGD: "Class C15"). This variant has not been reported in the literature in individuals affected with ZNF408-related conditions. This sequence change replaces proline, which is neutral and non-polar, with arginine, which is basic and polar, at codon 235 of the ZNF408 protein (p.Pro235Arg).

Ambry Genetics
Classification: Uncertain significance for Inborn genetic diseases. Last evaluated: 2021-06-18. Review status: criteria provided, single submitter. Criteria: Ambry Variant Classification Scheme 2023. Collection method: clinical testing. Allele origin: germline.